The following is an entry in ClinVar:

ClinVar aggregate classification (germline): Benign. Review status: criteria provided, multiple submitters, no conflicts (2 of 4 stars). 3 submissions from 3 submitters: Benign (3). Last evaluated 2018-07-15.

Conditions:
Transcobalamin II deficiency (TCN2D). Also called: Transcolabamin II deficiency; TC II DEFICIENCY; TCN2 DEFICIENCY. Identifiers: Orphanet 859, MedGen C0342701, MONDO:0010149, OMIM 275350.

Allele frequency attached by ClinVar (database versions not stated): gnomAD exomes 0.53442; 1000 Genomes Project 0.55451; 1000 Genomes Project 30x 0.56012; gnomAD 0.63468 and 0.64970; TOPMed 0.63807.

Submissions (3):

GeneDx
Classification: Benign. Last evaluated: 2018-07-15. Review status: criteria provided, single submitter. Criteria: GeneDx Variant Classification Process June 2021. Collection method: clinical testing. Allele origin: germline. Affected: yes.

Illumina Laboratory Services, Illumina
Classification: Benign for Transcobalamin II deficiency. Last evaluated: 2018-01-12. Review status: criteria provided, single submitter. Criteria: ICSL Variant Classification Criteria 13 December 2019. Collection method: clinical testing. Allele origin: germline.
Comment: This variant was observed in the ICSL laboratory as part of a predisposition screen in an ostensibly healthy population. It had not been previously curated by ICSL or reported in the Human Gene Mutation Database (HGMD: prior to June 1st, 2018), and was therefore a candidate for classification through an automated scoring system. Utilizing variant allele frequency, disease prevalence and penetrance estimates, and inheritance mode, an automated score was calculated to assess if this variant is too frequent to cause the disease. Based on the score and internal cut-off values, a variant classified as benign is not then subjected to further curation. The score for this variant resulted in a classification of benign for this disease.

Breakthrough Genomics
Classification: Benign. Review status: criteria provided, single submitter. Criteria: ACMG Guidelines, 2015. Collection method: not provided. Allele origin: germline. Inheritance: Autosomal recessive inheritance. Affected: yes.

NM_000355.3(TCN2):c.-181A>G

Genes: TCN2 (transcobalamin 2; plus strand), LOC121853040 (Sharpr-MPRA regulatory region 10016; plus strand). Cytogenetic location: 22q12.2.
Variant type: single nucleotide variant.
Coding change: c.-181A>G on transcript NM_000355.3; 181 bases upstream of the start codon, A replaced by G.
Genome position (GRCh38, 1-based): chr22:30,607,151, A>G. VCF-style: chr22-30607151-A-G. GRCh37 (hg19) VCF-style: chr22-31003138-A-G.
Identifiers: ClinVar variation 341183 (VCV000341183.9), dbSNP rs2240433, ClinGen allele CA10654030.